The following is an entry in ClinVar:

ClinVar aggregate classification (germline): Uncertain significance (1 of 4 stars; one submission).

Conditions:
Landau-Kleffner syndrome (FESD). Also called: EPILEPSY, FOCAL, WITH SPEECH DISORDER AND WITH OR WITHOUT MENTAL RETARDATION; APHASIA, ACQUIRED, WITH EPILEPSY. Identifiers: Orphanet 1945, Orphanet 725, Orphanet 98818, MedGen C0282512, MONDO:0009509, OMIM 245570.

Submission:

Labcorp Genetics (formerly Invitae), Labcorp
Classification: Uncertain significance for Landau-Kleffner syndrome. Last evaluated: 2025-06-02. Review status: criteria provided, single submitter. Criteria: Invitae Variant Classification Sherloc (09022015). Collection method: clinical testing. Allele origin: germline.
Comment: This sequence change replaces glutamic acid, which is acidic and polar, with alanine, which is neutral and non-polar, at codon 107 of the GRIN2A protein (p.Glu107Ala). This variant is not present in population databases (gnomAD no frequency). This variant has not been reported in the literature in individuals affected with GRIN2A-related conditions. ClinVar contains an entry for this variant (Variation ID: 1493651). Invitae Evidence Modeling of protein sequence and biophysical properties (such as structural, functional, and spatial information, amino acid conservation, physicochemical variation, residue mobility, and thermodynamic stability) indicates that this missense variant is not expected to disrupt GRIN2A protein function with a negative predictive value of 80%. In summary, the available evidence is currently insufficient to determine the role of this variant in disease. Therefore, it has been classified as a Variant of Uncertain Significance.

NM_001134407.3(GRIN2A):c.320A>C (p.Glu107Ala)

Gene: GRIN2A (glutamate ionotropic receptor NMDA type subunit 2A; minus strand). Cytogenetic location: 16p13.2.
Variant type: single nucleotide variant.
Coding change: c.320A>C on transcript NM_001134407.3 (MANE Select); coding-DNA position 320, A replaced by C.
Protein change: p.Glu107Ala; replaces glutamic acid 107 with alanine.
Molecular consequence: missense variant.
Genome position (GRCh38, 1-based): chr16:10,180,092, T>G on the plus strand (A>C on the coding strand, the complement: GRIN2A is on the minus strand). VCF-style: chr16-10180092-T-G. GRCh37 (hg19) VCF-style: chr16-10273949-T-G.
Other names: c.320A>C, p.Glu107Ala (NM_000833.5, NM_001134408.2); short protein forms E107A.
Identifiers: ClinVar variation 1493651 (VCV001493651.8), dbSNP rs2142388375, ClinGen allele CA394715271.